The following is an entry in ClinVar:

ClinVar aggregate classification (germline): Uncertain significance (1 of 4 stars; one submission).

Allele frequency attached by ClinVar (database versions not stated): gnomAD exomes 0.00002; TOPMed 0.00002.
gnomAD v4.1: 57 of 1,611,496 alleles (0.0035%); highest among the groups gnomAD compares: Non-Finnish European, 0.0047%; no homozygotes.

Submission:

GeneDx
Classification: Uncertain significance. Last evaluated: 2021-10-18. Review status: criteria provided, single submitter. Criteria: GeneDx Variant Classification Process June 2021. Collection method: clinical testing. Allele origin: germline. Affected: yes.
Comment: Has not been previously published as pathogenic or benign to our knowledge; In silico analysis supports that this missense variant has a deleterious effect on protein structure/function

NM_004522.3(KIF5C):c.1405G>A (p.Glu469Lys)

Gene: KIF5C (kinesin family member 5C; plus strand). Cytogenetic location: 2q23.1.
Variant type: single nucleotide variant.
Coding change: c.1405G>A on transcript NM_004522.3 (MANE Select); coding-DNA position 1405, G replaced by A.
Protein change: p.Glu469Lys; replaces glutamic acid 469 with lysine.
Molecular consequence: missense variant. On other transcripts: non-coding transcript variant (1).
Genome position (GRCh38, 1-based): chr2:148,981,397, G>A. VCF-style: chr2-148981397-G-A. GRCh37 (hg19) VCF-style: chr2-149837911-G-A.
Other names: short protein forms E469K.
Identifiers: ClinVar variation 1315559 (VCV001315559.2), dbSNP rs753378799, ClinGen allele CA1901458.
Genomic context (GRCh38, chr2:148,981,397, plus strand): 5'-GCCATCTCATTTCCCCAGCTTTTAGCTTCCACAAGAAGAGACTATGAGAAGATACAGGAG[G>A]AGCTGACACGTCTCCAGATTGAAAATGAGGCAGCCAAGGATGAGGTGAAAGAAGTTCTCC-3'
Protein context (NP_004513.1, residues 459-479): TRRDYEKIQE[Glu469Lys]LTRLQIENEA